The following is an entry in ClinVar:

ClinVar aggregate classification (germline): Uncertain significance (1 of 4 stars; one submission).

gnomAD v4.1: 1 of 1,614,224 alleles (0.000062%); highest among the groups gnomAD compares: Non-Finnish European, 0.000085%; no homozygotes.

Submission:

Ambry Genetics
Classification: Uncertain significance. Last evaluated: 2024-06-08. Review status: criteria provided, single submitter. Criteria: Ambry Variant Classification Scheme 2023. Collection method: clinical testing. Allele origin: germline.
Comment: The p.V362F variant (also known as c.1084G>T), located in coding exon 10 of the BUB1 gene, results from a G to T substitution at nucleotide position 1084. The valine at codon 362 is replaced by phenylalanine, an amino acid with highly similar properties. This amino acid position is conserved. In addition, this alteration is predicted to be tolerated by in silico analysis. Based on the available evidence, the clinical significance of this variant remains unclear.

NM_004336.5(BUB1):c.1084G>T (p.Val362Phe)

Gene: BUB1 (BUB1 mitotic checkpoint serine/threonine kinase; minus strand). Cytogenetic location: 2q13.
Variant type: single nucleotide variant.
Coding change: c.1084G>T on transcript NM_004336.5 (MANE Select); coding-DNA position 1084, G replaced by T.
Protein change: p.Val362Phe; replaces valine 362 with phenylalanine.
Molecular consequence: missense variant.
Genome position (GRCh38, 1-based): chr2:110,661,715, C>A on the plus strand (G>T on the coding strand, the complement: BUB1 is on the minus strand). VCF-style: chr2-110661715-C-A. GRCh37 (hg19) VCF-style: chr2-111419292-C-A.
Other names: c.1024G>T, p.Val342Phe (NM_001278616.2); c.1084G>T, p.Val362Phe (NM_001278617.2); short protein forms V342F, V362F.
Identifiers: ClinVar variation 3262112 (VCV003262112.1).